The following is an entry in ClinVar:

NM_001018115.3(FANCD2):c.3777+5G>A

Genes: FANCD2 (FA complementation group D2; plus strand), FANCD2OS (FANCD2 opposite strand; minus strand). Cytogenetic location: 3p25.3.
Variant type: single nucleotide variant.
Coding change: c.3777+5G>A on transcript NM_001018115.3 (MANE Select); 5 bases into the intron after coding-DNA position 3777, G replaced by A.
Molecular consequence: intron variant.
Genome position (GRCh38, 1-based): chr3:10,090,390, G>A. VCF-style: chr3-10090390-G-A. GRCh37 (hg19) VCF-style: chr3-10132074-G-A.
Other names: c.3777+5G>A (NM_001319984.2, NM_033084.6, NM_001374254.1); c.3666+5G>A (NM_001374253.1); c.*44-8859C>T (NM_173472.2).
Identifiers: ClinVar variation 941248 (VCV000941248.10), dbSNP rs368999017, ClinGen allele CA70031940.

ClinVar aggregate classification (germline): Uncertain significance. Review status: criteria provided, multiple submitters, no conflicts (2 of 4 stars). 2 submissions from 2 submitters: Uncertain significance (2). Last evaluated 2024-05-06.

Conditions:
Fanconi anemia (FA). Also called: Fanconi's anemia. Identifiers: Orphanet 84, MedGen C0015625, MeSH D005199, MONDO:0019391.
Fanconi anemia complementation group D2. Also called: FANCD2-Related Fanconi Anemia; FANCONI PANCYTOPENIA, TYPE 4; FANCONI ANEMIA, COMPLEMENTATION GROUP D. Identifiers: Orphanet 84, MedGen C3160738, MONDO:0009214, OMIM 227646.

Allele frequency attached by ClinVar (database versions not stated): ESP Exome Variant Server 0.00008.
gnomAD v4.1: 1 of 1,515,332 alleles (0.000066%); highest among the groups gnomAD compares: Non-Finnish European, 0.00009%; no homozygotes.

Submissions (2):

Fulgent Genetics
Classification: Uncertain significance for Fanconi anemia complementation group D2. Last evaluated: 2024-05-06. Review status: criteria provided, single submitter. Criteria: ACMG Guidelines, 2015. Collection method: clinical testing. Allele origin: germline.

Labcorp Genetics (formerly Invitae), Labcorp
Classification: Uncertain significance for Fanconi anemia. Last evaluated: 2019-10-24. Review status: criteria provided, single submitter. Criteria: Invitae Variant Classification Sherloc (09022015). Collection method: clinical testing. Allele origin: germline.
Comment: In summary, the available evidence is currently insufficient to determine the role of this variant in disease. Therefore, it has been classified as a Variant of Uncertain Significance. Nucleotide substitutions within the consensus splice site are a relatively common cause of aberrant splicing (PMID: 17576681, 9536098). Algorithms developed to predict the effect of sequence changes on RNA splicing suggest that this variant may disrupt the consensus splice site, but this prediction has not been confirmed by published transcriptional studies. This variant has not been reported in the literature in individuals with FANCD2-related conditions. This variant is not present in population databases (ExAC no frequency). This sequence change falls in intron 37 of the FANCD2 gene. It does not directly change the encoded amino acid sequence of the FANCD2 protein, but it affects a nucleotide within the consensus splice site of the intron.

Literature cited by the submitters: PubMed 17576681 (cited by Labcorp Genetics (formerly Invitae), Labcorp); PubMed 9536098 (cited by Labcorp Genetics (formerly Invitae), Labcorp).